The following is an entry in ClinVar:

ClinVar aggregate classification (germline): Likely benign. Review status: criteria provided, multiple submitters, no conflicts (2 of 4 stars). 2 submissions from 2 submitters: Likely benign (2). Last evaluated 2026-01-12.

Allele frequency attached by ClinVar (database versions not stated): gnomAD 0.00001.
gnomAD v4.1: 15 of 1,613,750 alleles (0.00093%); highest among the groups gnomAD compares: Admixed American, 0.0017%; no homozygotes.

Submissions (2):

Labcorp Genetics (formerly Invitae), Labcorp
Classification: Likely benign. Last evaluated: 2026-01-12. Review status: criteria provided, single submitter. Criteria: Invitae Variant Classification Sherloc (09022015). Collection method: clinical testing. Allele origin: germline.

CeGaT Center for Human Genetics Tuebingen
Classification: Likely benign. Last evaluated: 2022-04-01. Review status: criteria provided, single submitter. Criteria: CeGaT Center For Human Genetics Tuebingen Variant Classification Criteria Version 2. Collection method: clinical testing. Allele origin: germline. Affected: yes. Observed: 1 variant allele.
Comment: CPLANE1: BP4, BP7

NM_001384732.1(CPLANE1):c.7938A>T (p.Pro2646=)

Gene: CPLANE1 (ciliogenesis and planar polarity effector complex subunit 1; minus strand). Cytogenetic location: 5p13.2.
Variant type: single nucleotide variant.
Coding change: c.7938A>T on transcript NM_001384732.1 (MANE Select); coding-DNA position 7938, A replaced by T.
Protein change: p.Pro2646=; no amino-acid change (proline 2646 retained).
Molecular consequence: synonymous variant.
Genome position (GRCh38, 1-based): chr5:37,157,743, T>A on the plus strand (A>T on the coding strand, the complement: CPLANE1 is on the minus strand). VCF-style: chr5-37157743-T-A. GRCh37 (hg19) VCF-style: chr5-37157845-T-A.
Other names: c.7884A>T, p.Pro2628= (NM_023073.4).
Identifiers: ClinVar variation 2655430 (VCV002655430.25), dbSNP rs1236256359, ClinGen allele CA443919420.